The following is an entry in ClinVar:

NM_001042492.3(NF1):c.6850A>G (p.Thr2284Ala)

Gene: NF1 (neurofibromin 1; plus strand). Cytogenetic location: 17q11.2.
Variant type: single nucleotide variant.
Coding change: c.6850A>G on transcript NM_001042492.3 (MANE Select); coding-DNA position 6850, A replaced by G.
Protein change: p.Thr2284Ala; replaces threonine 2284 with alanine.
Molecular consequence: missense variant.
Genome position (GRCh38, 1-based): chr17:31,338,734, A>G. VCF-style: chr17-31338734-A-G. GRCh37 (hg19) VCF-style: chr17-29665752-A-G.
Other names: c.6787A>G, p.Thr2263Ala (NM_000267.4); short protein forms T2284A, T2263A.
Identifiers: ClinVar variation 641220 (VCV000641220.7), dbSNP rs1597845953, ClinGen allele CA399014308.

ClinVar aggregate classification (germline): Uncertain significance. Review status: criteria provided, multiple submitters, no conflicts (2 of 4 stars). 2 submissions from 2 submitters: Uncertain significance (2). Last evaluated 2026-07-13.

Conditions:
Hereditary cancer-predisposing syndrome. Also called: Neoplastic Syndromes, Hereditary; Hereditary Cancer Syndrome; Hereditary neoplastic syndrome; Tumor predisposition. Identifiers: Orphanet 140162, MedGen C0027672, MeSH D009386, MONDO:0015356.
Cardiovascular phenotype. Identifiers: MedGen CN230736.
Neurofibromatosis, type 1 (NF1). Also called: VON RECKLINGHAUSEN DISEASE; Neurofibromatosis, type I; Peripheral type neurofibromatosis; NEUROFIBROMATOSIS, TYPE I, SOMATIC. Identifiers: Orphanet 636, MedGen C0027831, MONDO:0018975, OMIM 162200. Disease mechanism: loss of function.

Submissions (2):

Ambry Genetics
Classification: Uncertain significance for Cardiovascular phenotype; Hereditary cancer-predisposing syndrome. Last evaluated: 2026-07-13. Review status: criteria provided, single submitter. Criteria: Ambry Variant Classification Scheme 2023. Collection method: clinical testing. Allele origin: germline.
Comment: The p.T2263A variant (also known as c.6787A>G), located in coding exon 45 of the NF1 gene, results from an A to G substitution at nucleotide position 6787. The threonine at codon 2263 is replaced by alanine, an amino acid with similar properties. This amino acid position is not well conserved in available vertebrate species. In addition, this alteration is predicted to be tolerated by in silico analysis. Based on the available evidence, the clinical significance of this variant remains unclear.

Labcorp Genetics (formerly Invitae), Labcorp
Classification: Uncertain significance for Neurofibromatosis, type 1. Last evaluated: 2018-10-09. Review status: criteria provided, single submitter. Criteria: Invitae Variant Classification Sherloc (09022015). Collection method: clinical testing. Allele origin: germline.
Comment: In summary, the available evidence is currently insufficient to determine the role of this variant in disease. Therefore, it has been classified as a Variant of Uncertain Significance. Algorithms developed to predict the effect of missense changes on protein structure and function (SIFT, PolyPhen-2, Align-GVGD) all suggest that this variant is likely to be tolerated, but these predictions have not been confirmed by published functional studies and their clinical significance is uncertain. This variant has not been reported in the literature in individuals with NF1-related disease. This variant is not present in population databases (ExAC no frequency). This sequence change replaces threonine with alanine at codon 2263 of the NF1 protein (p.Thr2263Ala). The threonine residue is weakly conserved and there is a small physicochemical difference between threonine and alanine.